The following is an entry in ClinVar:

NM_032119.4(ADGRV1):c.18250C>T (p.Gln6084Ter)

Gene: ADGRV1 (adhesion G protein-coupled receptor V1; plus strand). Cytogenetic location: 5q14.3.
Variant type: single nucleotide variant.
Coding change: c.18250C>T on transcript NM_032119.4 (MANE Select); coding-DNA position 18250, C replaced by T.
Protein change: p.Gln6084Ter; replaces glutamine 6084 with a stop codon.
Molecular consequence: nonsense. On other transcripts: non-coding transcript variant (1).
Genome position (GRCh38, 1-based): chr5:91,072,544, C>T. VCF-style: chr5-91072544-C-T. GRCh37 (hg19) VCF-style: chr5-90368361-C-T.
Other names: short protein forms Q6084*.
Identifiers: ClinVar variation 2023820 (VCV002023820.5), dbSNP rs1442235176, ClinGen allele CA360431834.

ClinVar aggregate classification (germline): Pathogenic/Likely pathogenic. Review status: criteria provided, multiple submitters, no conflicts (2 of 4 stars). 2 submissions from 2 submitters: Pathogenic (1); Likely pathogenic (1). Last evaluated 2022-08-12.

Conditions:
ADGRV1-related disorder. Also called: ADGRV1-related disorders; ADGRV1-related condition.

Submissions (2):

Labcorp Genetics (formerly Invitae), Labcorp
Classification: Pathogenic. Last evaluated: 2022-08-12. Review status: criteria provided, single submitter. Criteria: Invitae Variant Classification Sherloc (09022015). Collection method: clinical testing. Allele origin: germline.
Comment: This sequence change creates a premature translational stop signal (p.Gln6084*) in the ADGRV1 gene. It is expected to result in an absent or disrupted protein product. Loss-of-function variants in ADGRV1 are known to be pathogenic (PMID: 19357117, 22135276, 22147658, 26226137, 30718709, 31047384, 32467589). This variant is not present in population databases (gnomAD no frequency). This variant has not been reported in the literature in individuals affected with ADGRV1-related conditions. For these reasons, this variant has been classified as Pathogenic.

Blueprint Genetics
Classification: Likely pathogenic for ADGRV1-related disorders. Last evaluated: 2020-02-07. Review status: criteria provided, single submitter. Criteria: ACMG Guidelines, 2015. Collection method: clinical testing. Allele origin: germline. Affected: yes. Observed: 1 variant allele.

Literature cited by the submitters: PubMed 19357117 (cited by Labcorp Genetics (formerly Invitae), Labcorp); PubMed 22135276 (cited by Labcorp Genetics (formerly Invitae), Labcorp); PubMed 22147658 (cited by Labcorp Genetics (formerly Invitae), Labcorp); PubMed 26226137 (cited by Labcorp Genetics (formerly Invitae), Labcorp); PubMed 30718709 (cited by Labcorp Genetics (formerly Invitae), Labcorp); PubMed 31047384 (cited by Labcorp Genetics (formerly Invitae), Labcorp); PubMed 32467589 (cited by Labcorp Genetics (formerly Invitae), Labcorp).